The following is an entry in ClinVar:

ClinVar aggregate classification (germline): Uncertain significance. Review status: criteria provided, multiple submitters, no conflicts (2 of 4 stars). 2 submissions from 2 submitters: Uncertain significance (2). Last evaluated 2023-09-03.

Conditions:
Autosomal dominant hypocalcemia 1 (HYPOC1). Also called: HYPOCALCEMIA, FAMILIAL. Identifiers: MedGen C3715128, MONDO:0011013, OMIM 601198.
Familial hypocalciuric hypercalcemia (FHH). Also called: Familial benign hypercalcemia. Identifiers: Orphanet 405, MedGen C1809471, MONDO:0018458.
Nephrolithiasis/nephrocalcinosis. Identifiers: MedGen CN580796.

Submissions (2):

Labcorp Genetics (formerly Invitae), Labcorp
Classification: Uncertain significance for Familial hypocalciuric hypercalcemia; Autosomal dominant hypocalcemia 1. Last evaluated: 2023-09-03. Review status: criteria provided, single submitter. Criteria: Invitae Variant Classification Sherloc (09022015). Collection method: clinical testing. Allele origin: germline.
Comment: This sequence change replaces alanine, which is neutral and non-polar, with aspartic acid, which is acidic and polar, at codon 298 of the CASR protein (p.Ala298Asp). This variant is not present in population databases (gnomAD no frequency). This variant has not been reported in the literature in individuals affected with CASR-related conditions. ClinVar contains an entry for this variant (Variation ID: 1765178). An algorithm developed to predict the effect of missense changes on protein structure and function (PolyPhen-2) suggests that this variant is likely to be disruptive. In summary, the available evidence is currently insufficient to determine the role of this variant in disease. Therefore, it has been classified as a Variant of Uncertain Significance.

Ambry Genetics
Classification: Uncertain significance for Nephrolithiasis/nephrocalcinosis. Last evaluated: 2022-10-05. Review status: criteria provided, single submitter. Criteria: Ambry Variant Classification Scheme 2023. Collection method: clinical testing. Allele origin: germline.
Comment: The p.A298D variant (also known as c.893C>A), located in coding exon 3 of the CASR gene, results from a C to A substitution at nucleotide position 893. The alanine at codon 298 is replaced by aspartic acid, an amino acid with dissimilar properties. This amino acid position is conserved. In addition, this alteration is predicted to be deleterious by in silico analysis. Since supporting evidence is limited at this time, the clinical significance of this alteration remains unclear.

NM_000388.4(CASR):c.893C>A (p.Ala298Asp)

Gene: CASR (calcium sensing receptor; plus strand). Cytogenetic location: 3q21.1.
Variant type: single nucleotide variant.
Coding change: c.893C>A on transcript NM_000388.4 (MANE Select); coding-DNA position 893, C replaced by A.
Protein change: p.Ala298Asp; replaces alanine 298 with aspartic acid.
Molecular consequence: missense variant.
Genome position (GRCh38, 1-based): chr3:122,261,928, C>A. VCF-style: chr3-122261928-C-A. GRCh37 (hg19) VCF-style: chr3-121980775-C-A.
Other names: c.893C>A, p.Ala298Asp (NM_001178065.2); short protein forms A298D.
Identifiers: ClinVar variation 1765178 (VCV001765178.5), dbSNP rs1064797049, ClinGen allele CA354151578.